The following is an entry in ClinVar:

NM_003126.4(SPTA1):c.4232T>C (p.Met1411Thr)

Gene: SPTA1 (spectrin alpha, erythrocytic 1; minus strand). Cytogenetic location: 1q23.1.
Variant type: single nucleotide variant.
Coding change: c.4232T>C on transcript NM_003126.4 (MANE Select); coding-DNA position 4232, T replaced by C.
Protein change: p.Met1411Thr; replaces methionine 1411 with threonine.
Molecular consequence: missense variant.
Genome position (GRCh38, 1-based): chr1:158,644,359, A>G on the plus strand (T>C on the coding strand, the complement: SPTA1 is on the minus strand). VCF-style: chr1-158644359-A-G. GRCh37 (hg19) VCF-style: chr1-158614149-A-G.
Other names: c.4232T>C (NM_003126.2); short protein forms M1411T.
Identifiers: ClinVar variation 4080249 (VCV004080249.2).

ClinVar aggregate classification (germline): Uncertain significance. Review status: criteria provided, multiple submitters, no conflicts (2 of 4 stars). 2 submissions from 2 submitters: Uncertain significance (2). Last evaluated 2026-01-13.

Conditions:
SPTA1-related disorder. Also called: SPTA1-related disorders; SPTA1-related condition.

Submissions (2):

PreventionGenetics, part of Exact Sciences
Classification: Uncertain significance for SPTA1-related condition. Last evaluated: 2026-01-13. Review status: criteria provided, single submitter. Criteria: ACMG Guidelines, 2015. Collection method: clinical testing. Allele origin: germline.
Comment: The SPTA1 c.4232T>C variant is predicted to result in the amino acid substitution p.Met1411Thr. To our knowledge, this variant has not been reported in the literature or in a large population database (gnomAD), indicating this variant is rare. At this time, the clinical significance of this variant is uncertain due to the absence of conclusive functional and genetic evidence.

Revvity Omics, Revvity
Classification: Uncertain significance. Last evaluated: 2023-09-24. Review status: criteria provided, single submitter. Criteria: ACMG Guidelines, 2015. Collection method: clinical testing. Allele origin: germline.